The following is an entry in ClinVar:

ClinVar aggregate classification (germline): Likely pathogenic. Review status: criteria provided, multiple submitters, no conflicts (2 of 4 stars). 3 submissions from 3 submitters: Likely pathogenic (2). 1 of the submissions does not count toward it. Last evaluated 2023-06-21.

Conditions:
Factor 5 and Factor VIII, combined deficiency of, 2. Identifiers: Orphanet 35909, MedGen C3150889, MONDO:0013331, OMIM 613625.
Factor V and factor VIII, combined deficiency of, type 1. Also called: MULTIPLE COAGULATION FACTOR DEFICIENCY I; Combined factor V and VIII deficiency; FAMILIAL MULTIPLE COAGULATION FACTOR DEFICIENCY I; FMFD I. Identifiers: Orphanet 35909, MedGen C4551981, MONDO:0009206, OMIM 227300.
MCFD2-related disorder. Also called: MCFD2-related condition.

Allele frequency attached by ClinVar (database versions not stated): ExAC 0.00001; gnomAD 0.00001; gnomAD exomes 0.00001 and 0.00002; TOPMed 0.00001.

Submissions (3):

PreventionGenetics, part of Exact Sciences
Classification: Likely pathogenic for MCFD2-related condition. Last evaluated: 2023-06-21. Review status: criteria provided, single submitter. Criteria: ACMG Guidelines, 2015. Collection method: clinical testing. Allele origin: germline.
Comment: The MCFD2 c.149+5G>A variant is predicted to interfere with splicing. This variant was detected in patients with combined Factor V and Factor VIII deficiency (Zhang et al. 2003. PubMed ID: 12717434, Downes et al. 2019. PubMed ID: 31064749). This variant is reported in 0.0033% of alleles in individuals of South Asian descent in gnomAD. In vitro characterization indicates that this variant eliminates the normal intron 2 splice donor site and leads to a minor product resulting from the activation of a cryptic donor splice site at +161 of intron 2 and the insertion of 17 amino acids followed by a stop codon (Zhang et al. 2003. PubMed ID: 12717434). This variant is interpreted as likely pathogenic.

NIHR Bioresource Rare Diseases, University of Cambridge
Classification: Likely pathogenic for Factor V and factor VIII, combined deficiency of, type 1. Last evaluated: 2019-02-01. Review status: criteria provided, single submitter. Criteria: ACMG Guidelines, 2015. Collection method: research. Allele origin: unknown. Affected: yes. Observed: 1 homozygote. Study: ThromboGenomics.

OMIM
Classification: Pathogenic for FACTOR V AND FACTOR VIII, COMBINED DEFICIENCY OF, 2. Last evaluated: 2003-06-01. Review status: no assertion criteria provided. Collection method: literature only. Allele origin: germline. Not counted in ClinVar's aggregate classification.

Literature cited by the submitters: PubMed 31064749 (cited by NIHR Bioresource Rare Diseases, University of Cambridge); PubMed 12717434 (cited by OMIM); PubMed 13229969 (cited by OMIM).

NM_139279.6(MCFD2):c.149+5G>A

Gene: MCFD2 (multiple coagulation factor deficiency 2, ER cargo receptor complex subunit; minus strand). Cytogenetic location: 2p21.
Variant type: single nucleotide variant.
Coding change: c.149+5G>A on transcript NM_139279.6 (MANE Select); 5 bases into the intron after coding-DNA position 149, G replaced by A.
Molecular consequence: intron variant.
Genome position (GRCh38, 1-based): chr2:46,909,018, C>T on the plus strand (G>A on the coding strand, the complement: MCFD2 is on the minus strand). VCF-style: chr2-46909018-C-T. GRCh37 (hg19) VCF-style: chr2-47136157-C-T.
Other names: MCFD2, 149G-A, +5; c.149+5G>A (NM_001171508.2, NM_001171507.2, NM_001171506.2); c.93-1049G>A (NM_001171511.3); c.-7-1049G>A (NM_001171510.3, NM_001171509.3).
Identifiers: ClinVar variation 2865 (VCV000002865.5), dbSNP rs387906286, ClinGen allele CA115786.